The following is an entry in ClinVar:

ClinVar aggregate classification (germline): Uncertain significance (1 of 4 stars; one submission).

Submission:

Dasa
Classification: Uncertain significance. Last evaluated: 2025-08-28. Review status: criteria provided, single submitter. Criteria: DASA Assertion Criteria. Collection method: clinical testing. Allele origin: germline.
Comment: NM_000152.5(GAA):c.1141A>C (p.Thr381Pro) is a missense variant that results in the substitution of threonine with proline. This variant is absent from population databases. Computational prediction algorithms are consistent with a deleterious effect. The currently available literature and clinical evidence are not sufficient to establish a definitive association between this variant and the reported condition. Therefore, this variant is classified as a variant of uncertain significance.

NM_000152.5(GAA):c.1141A>C (p.Thr381Pro)

Gene: GAA (alpha glucosidase; plus strand). Cytogenetic location: 17q25.3.
Variant type: single nucleotide variant.
Coding change: c.1141A>C on transcript NM_000152.5 (MANE Select); coding-DNA position 1141, A replaced by C.
Protein change: p.Thr381Pro; replaces threonine 381 with proline.
Molecular consequence: missense variant.
Genome position (GRCh38, 1-based): chr17:80,108,554, A>C. VCF-style: chr17-80108554-A-C. GRCh37 (hg19) VCF-style: chr17-78082353-A-C.
Other names: c.1141A>C, p.Thr381Pro (NM_001079803.3, NM_001079804.3, NM_001406741.1 and 1 more transcripts); short protein forms T381P.
Identifiers: ClinVar variation 4883335 (VCV004883335.2).
Genomic context (GRCh38, chr17:80,108,554, plus strand): 5'-CCGTTCATGCCGCCATACTGGGGCCTGGGCTTCCACCTGTGCCGCTGGGGCTACTCCTCC[A>C]CCGCTATCACCCGCCAGGTGGTGGAGAACATGACCAGGGCCCACTTCCCCCTGGTGAGTT-3'
Protein context (NP_000143.2, residues 371-391): FHLCRWGYSS[Thr381Pro]AITRQVVENM